The following is an entry in ClinVar:

NM_000080.4(CHRNE):c.*748G>A

Genes: CHRNE (cholinergic receptor nicotinic epsilon subunit; minus strand), MINK1 (misshapen like kinase 1; plus strand). Cytogenetic location: 17p13.2.
Variant type: single nucleotide variant.
Coding change: c.*748G>A on transcript NM_000080.4 (MANE Select); 748 bases downstream of the stop codon, G replaced by A.
Molecular consequence: 3 prime UTR variant.
Genome position (GRCh38, 1-based): chr17:4,897,988, C>T on the plus strand (G>A on the coding strand, the complement: CHRNE is on the minus strand). VCF-style: chr17-4897988-C-T. GRCh37 (hg19) VCF-style: chr17-4801283-C-T.
Other names: c.*701C>T (NM_001024937.4, NM_001321236.2, NM_015716.5 and 2 more transcripts).
Identifiers: ClinVar variation 892125 (VCV000892125.4), dbSNP rs536398300, ClinGen allele CA287177751.

ClinVar aggregate classification (germline): Benign (1 of 4 stars; one submission).

Conditions:
Congenital myasthenic syndrome (CMS). Also called: Congenital Myasthenic Syndromes. Identifiers: Orphanet 590, MedGen C0751882, MeSH D020294, MONDO:0018940.

Allele frequency attached by ClinVar (database versions not stated): gnomAD 0.00111; 1000 Genomes Project 30x 0.00125; gnomAD exomes 0.00538; 1000 Genomes Project 0.02895.
gnomAD v4.1: 163 of 141,436 alleles (0.12%); highest among the groups gnomAD compares: East Asian, 0.15%; 1 homozygote.

Submission:

Illumina Laboratory Services, Illumina
Classification: Benign for Congenital myasthenic syndrome. Last evaluated: 2018-01-13. Review status: criteria provided, single submitter. Criteria: ICSL Variant Classification Criteria 13 December 2019. Collection method: clinical testing. Allele origin: germline.
Comment: This variant was observed in the ICSL laboratory as part of a predisposition screen in an ostensibly healthy population. It had not been previously curated by ICSL or reported in the Human Gene Mutation Database (HGMD: prior to June 1st, 2018), and was therefore a candidate for classification through an automated scoring system. Utilizing variant allele frequency, disease prevalence and penetrance estimates, and inheritance mode, an automated score was calculated to assess if this variant is too frequent to cause the disease. Based on the score and internal cut-off values, a variant classified as benign is not then subjected to further curation. The score for this variant resulted in a classification of benign for this disease.